The following is an entry in ClinVar:

NM_014141.6(CNTNAP2):c.3628G>A (p.Val1210Met)

Gene: CNTNAP2 (contactin associated protein 2; plus strand). Cytogenetic location: 7q36.1.
Variant type: single nucleotide variant.
Coding change: c.3628G>A on transcript NM_014141.6 (MANE Select); coding-DNA position 3628, G replaced by A.
Protein change: p.Val1210Met; replaces valine 1210 with methionine.
Molecular consequence: missense variant.
Genome position (GRCh38, 1-based): chr7:148,383,801, G>A. VCF-style: chr7-148383801-G-A. GRCh37 (hg19) VCF-style: chr7-148080893-G-A.
Other names: short protein forms V1210M.
Identifiers: ClinVar variation 2091011 (VCV002091011.25), dbSNP rs762777645, ClinGen allele CA369704748.

ClinVar aggregate classification (germline): Uncertain significance. Review status: criteria provided, multiple submitters, no conflicts (2 of 4 stars). 2 submissions from 2 submitters: Uncertain significance (2). Last evaluated 2024-03-01.

Conditions:
Cortical dysplasia-focal epilepsy syndrome (PTHSL1). Also called: Pitt-Hopkins-like syndrome 1. Identifiers: Orphanet 163681, Orphanet 221150, MedGen C2750246, MONDO:0012400, OMIM 610042.

Submissions (2):

CeGaT Center for Human Genetics Tuebingen
Classification: Uncertain significance. Last evaluated: 2024-03-01. Review status: criteria provided, single submitter. Criteria: CeGaT Center For Human Genetics Tuebingen Variant Classification Criteria Version 2. Collection method: clinical testing. Allele origin: germline. Affected: yes. Observed: 1 variant allele.
Comment: CNTNAP2: PM2

Labcorp Genetics (formerly Invitae), Labcorp
Classification: Uncertain significance for Cortical dysplasia-focal epilepsy syndrome. Last evaluated: 2022-04-09. Review status: criteria provided, single submitter. Criteria: Invitae Variant Classification Sherloc (09022015). Collection method: clinical testing. Allele origin: germline.
Comment: This sequence change replaces valine, which is neutral and non-polar, with methionine, which is neutral and non-polar, at codon 1210 of the CNTNAP2 protein (p.Val1210Met). This variant is not present in population databases (gnomAD no frequency). This variant has not been reported in the literature in individuals affected with CNTNAP2-related conditions. Algorithms developed to predict the effect of missense changes on protein structure and function are either unavailable or do not agree on the potential impact of this missense change (SIFT: "Deleterious"; PolyPhen-2: "Possibly Damaging"; Align-GVGD: "Class C0"). In summary, the available evidence is currently insufficient to determine the role of this variant in disease. Therefore, it has been classified as a Variant of Uncertain Significance.